The following is an entry in ClinVar:

ClinVar aggregate classification (germline): Likely benign. Review status: criteria provided, multiple submitters, no conflicts (2 of 4 stars). 3 submissions from 3 submitters: Likely benign (3). Last evaluated 2025-06-20.

Conditions:
EXT2-related disorder. Also called: EXT2-related condition.
Exostoses, multiple, type 2 (EXT2). Also called: Hereditary Multiple Osteochondromatosis, Type II; EXOSTOSES, MULTIPLE, TYPE II. Identifiers: Orphanet 321, MedGen C1851413, MONDO:0007586, OMIM 133701.

Allele frequency attached by ClinVar (database versions not stated): gnomAD 0.00002; ExAC 0.00004.
gnomAD v4.1: 40 of 1,608,106 alleles (0.0025%); highest among the groups gnomAD compares: African/African-American, 0.0013%; no homozygotes.

Submissions (3):

PreventionGenetics, part of Exact Sciences
Classification: Likely benign for EXT2-related condition. Last evaluated: 2025-06-20. Review status: criteria provided, single submitter. Criteria: ACMG Guidelines, 2015. Collection method: clinical testing. Allele origin: germline.
Comment: This variant is classified as likely benign based on ACMG/AMP sequence variant interpretation guidelines (Richards et al. 2015 PMID: 25741868, with internal and published modifications).

Blueprint Genetics
Classification: Likely benign. Last evaluated: 2024-07-02. Review status: criteria provided, single submitter. Criteria: ACMG Guidelines, 2015. Collection method: clinical testing. Allele origin: germline.

Labcorp Genetics (formerly Invitae), Labcorp
Classification: Likely benign for Exostoses, multiple, type 2. Last evaluated: 2023-04-25. Review status: criteria provided, single submitter. Criteria: Invitae Variant Classification Sherloc (09022015). Collection method: clinical testing. Allele origin: germline.

NM_207122.2(EXT2):c.743+10A>C

Gene: EXT2 (exostosin glycosyltransferase 2; plus strand). Cytogenetic location: 11p11.2.
Variant type: single nucleotide variant.
Coding change: c.743+10A>C on transcript NM_207122.2 (MANE Select); 10 bases into the intron after coding-DNA position 743, A replaced by C.
Molecular consequence: intron variant.
Genome position (GRCh38, 1-based): chr11:44,114,311, A>C. VCF-style: chr11-44114311-A-C. GRCh37 (hg19) VCF-style: chr11-44135861-A-C.
Other names: c.743+10A>C (NM_001389630.1, NM_001178083.3, NM_001389628.1 and 1 more transcripts); c.842+10A>C (NM_000401.3).
Identifiers: ClinVar variation 1593956 (VCV001593956.10), dbSNP rs762753229, ClinGen allele CA5954984.